The following is an entry in ClinVar:

ClinVar aggregate classification (germline): Uncertain significance. Review status: criteria provided, multiple submitters, no conflicts (2 of 4 stars). 5 submissions from 4 submitters: Uncertain significance (5). Last evaluated 2023-12-17.

Conditions:
Rhabdoid tumor predisposition syndrome 2 (RTPS2). Identifiers: Orphanet 231108, Orphanet 69077, MedGen C2750074, MONDO:0013224, OMIM 613325.
Hereditary cancer-predisposing syndrome. Also called: Neoplastic Syndromes, Hereditary; Hereditary Cancer Syndrome; Tumor predisposition; Hereditary neoplastic syndrome. Identifiers: Orphanet 140162, MedGen C0027672, MeSH D009386, MONDO:0015356.
Intellectual disability, autosomal dominant 16 (CSS4). Also called: COFFIN-SIRIS SYNDROME 4. Identifiers: Orphanet 1465, MedGen C3553249, MONDO:0013821, OMIM 614609.

Allele frequency attached by ClinVar (database versions not stated): gnomAD exomes below 0.00001; gnomAD 0.00001.

Submissions (5):

Baylor Genetics
Classification: Uncertain significance for Rhabdoid tumor predisposition syndrome 2. Last evaluated: 2023-12-17. Review status: criteria provided, single submitter. Criteria: ACMG Guidelines, 2015. Collection method: clinical testing. Allele origin: unknown.

Ambry Genetics
Classification: Uncertain significance for Hereditary cancer-predisposing syndrome. Last evaluated: 2023-11-30. Review status: criteria provided, single submitter. Criteria: Ambry Variant Classification Scheme 2023. Collection method: clinical testing. Allele origin: germline.
Comment: The p.V1627M variant (also known as c.4879G>A), located in coding exon 34 of the SMARCA4 gene, results from a G to A substitution at nucleotide position 4879. The valine at codon 1627 is replaced by methionine, an amino acid with highly similar properties. This variant has been detected in multiple individuals with no reported features of SMARCA4-associated Coffin-Siris syndrome (Ambry internal data). This amino acid position is highly conserved in available vertebrate species. In addition, the in silico prediction for this alteration is inconclusive. Missense and in-frame variants in SMARCA4 are known to cause neurodevelopmental disorders; however, such associations with rhabdoid tumor predisposition syndrome including small cell carcinoma of the ovary-hypercalcemic type (SCCOHT) are exceedingly rare (Kosho T et al. Am J Med Genet C Semin Med Genet. 2014 Sep;166C(3):262-75; Jelinic P et al. Nat Genet. 2014 May;46(5):424-6). Based on the supporting evidence, the association of this alteration with rhabdoid tumor predisposition syndrome is unknown; however, the association of this alteration with Coffin-Siris syndrome is unlikely.

Labcorp Genetics (formerly Invitae), Labcorp
Classification: Uncertain significance for Rhabdoid tumor predisposition syndrome 2. Last evaluated: 2023-09-09. Review status: criteria provided, single submitter. Criteria: Invitae Variant Classification Sherloc (09022015). Collection method: clinical testing. Allele origin: germline.
Comment: In summary, the available evidence is currently insufficient to determine the role of this variant in disease. Therefore, it has been classified as a Variant of Uncertain Significance. Advanced modeling of protein sequence and biophysical properties (such as structural, functional, and spatial information, amino acid conservation, physicochemical variation, residue mobility, and thermodynamic stability) performed at Invitae indicates that this missense variant is expected to disrupt SMARCA4 protein function. ClinVar contains an entry for this variant (Variation ID: 575153). This variant has not been reported in the literature in individuals affected with SMARCA4-related conditions. This variant is not present in population databases (gnomAD no frequency). This sequence change replaces valine, which is neutral and non-polar, with methionine, which is neutral and non-polar, at codon 1627 of the SMARCA4 protein (p.Val1627Met).

Baylor Genetics
Classification: Uncertain significance for Rhabdoid tumor predisposition syndrome 2. Last evaluated: 2021-07-27. Review status: criteria provided, single submitter. Criteria: ACMG Guidelines, 2015. Collection method: clinical testing. Allele origin: paternal. Affected: yes. Study: CSER-TexasKidsCanSeq.
Comment: This variant was determined to be of uncertain significance according to ACMG Guidelines, 2015 [PMID:25741868].

Genome-Nilou Lab
Classification: Uncertain significance for Intellectual disability, autosomal dominant 16. Last evaluated: 2021-07-15. Review status: criteria provided, single submitter. Criteria: ACMG Guidelines, 2015. Collection method: clinical testing. Allele origin: germline. Affected: no.

NM_003072.5(SMARCA4):c.4783G>A (p.Val1595Met)

Gene: SMARCA4 (SWI/SNF related BAF chromatin remodeling complex subunit ATPase 4; plus strand). Cytogenetic location: 19p13.2.
Variant type: single nucleotide variant.
Coding change: c.4783G>A on transcript NM_003072.5 (MANE Select); coding-DNA position 4783, G replaced by A.
Protein change: p.Val1595Met; replaces valine 1595 with methionine.
Molecular consequence: missense variant. On other transcripts: non-coding transcript variant (1).
Genome position (GRCh38, 1-based): chr19:11,060,059, G>A. VCF-style: chr19-11060059-G-A. GRCh37 (hg19) VCF-style: chr19-11170735-G-A.
Other names: c.4783G>A, p.Val1595Met (NM_001128844.3); c.4693G>A, p.Val1565Met (NM_001128845.2); c.4690G>A, p.Val1564Met (NM_001128846.2); c.4684G>A, p.Val1562Met (NM_001128847.4, NM_001374457.1); c.4681G>A, p.Val1561Met (NM_001128848.2); c.4879G>A, p.Val1627Met (NM_001128849.3, NM_001387283.1); short protein forms V1627M, V1562M, V1564M, V1595M, V1561M, V1565M.
Identifiers: ClinVar variation 575153 (VCV000575153.17), dbSNP rs1568565611, ClinGen allele CA404080285.